The following is an entry in ClinVar:

ClinVar aggregate classification (germline): Uncertain significance (0 of 4 stars; one submission).

Conditions:
KSR2-related disorder. Also called: KSR2-related condition.

gnomAD v4.1: 2 of 1,608,448 alleles (0.00012%); highest among the groups gnomAD compares: African/African-American, 0.0027%; no homozygotes.

Submission:

PreventionGenetics, part of Exact Sciences
Classification: Uncertain significance for KSR2-related condition. Last evaluated: 2023-11-27. Review status: no assertion criteria provided. Collection method: clinical testing. Allele origin: germline.
Comment: The KSR2 c.509C>T variant is predicted to result in the amino acid substitution p.Pro170Leu. To our knowledge, this variant has not been reported in the literature or in a large population database, indicating this variant is rare. At this time, the clinical significance of this variant is uncertain due to the absence of conclusive functional and genetic evidence.

NM_173598.6(KSR2):c.596C>T (p.Pro199Leu)

Gene: KSR2 (kinase suppressor of ras 2; minus strand). Cytogenetic location: 12q24.23.
Variant type: single nucleotide variant.
Coding change: c.596C>T on transcript NM_173598.6 (MANE Select); coding-DNA position 596, C replaced by T.
Protein change: p.Pro199Leu; replaces proline 199 with leucine.
Molecular consequence: missense variant.
Genome position (GRCh38, 1-based): chr12:117,761,401, G>A on the plus strand (C>T on the coding strand, the complement: KSR2 is on the minus strand). VCF-style: chr12-117761401-G-A. GRCh37 (hg19) VCF-style: chr12-118199206-G-A.
Other names: short protein forms P199L.
Identifiers: ClinVar variation 3348619 (VCV003348619.1).
Genomic context (GRCh38, chr12:117,761,401, plus strand): 5'-GGGGCCCCGGGAGTGGGGCTGGTGTGACAATAGTGCTGGACGCACTTGGACGGGACCCTG[G>A]GGCTCTGGGAGAGATGGGTGCGGATCCACGGGGTGGGCTCCGGGGGGCACACGGGATTGT-3'
Protein context (NP_775869.4, residues 189-209): PWIRTHLSQS[Pro199Leu]RVPSKCVQHY